The following is an entry in ClinVar:

ClinVar aggregate classification (germline): Uncertain significance. Review status: criteria provided, multiple submitters, no conflicts (2 of 4 stars). 2 submissions from 2 submitters: Uncertain significance (2). Last evaluated 2024-06-28.

Conditions:
Inborn genetic diseases. Identifiers: MedGen C0950123, MeSH D030342.

Allele frequency attached by ClinVar (database versions not stated): gnomAD 0.00004; TOPMed 0.00004; ExAC 0.00006; 1000 Genomes Project 0.00040; 1000 Genomes Project 30x 0.00047.

Submissions (2):

GeneDx
Classification: Uncertain significance. Last evaluated: 2024-06-28. Review status: criteria provided, single submitter. Criteria: GeneDx Variant Classification Process June 2021. Collection method: clinical testing. Allele origin: germline. Affected: yes.
Comment: In silico analysis indicates that this missense variant does not alter protein structure/function; This variant is associated with the following publications: (PMID: 38737102)

Ambry Genetics
Classification: Uncertain significance for Inborn genetic diseases. Last evaluated: 2022-12-12. Review status: criteria provided, single submitter. Criteria: Ambry Variant Classification Scheme 2023. Collection method: clinical testing. Allele origin: germline.

NM_004970.3(IGFALS):c.418G>A (p.Gly140Ser)

Gene: IGFALS (insulin like growth factor binding protein acid labile subunit; minus strand). Cytogenetic location: 16p13.3.
Variant type: single nucleotide variant.
Coding change: c.418G>A on transcript NM_004970.3 (MANE Select); coding-DNA position 418, G replaced by A.
Protein change: p.Gly140Ser; replaces glycine 140 with serine.
Molecular consequence: missense variant. On other transcripts: non-coding transcript variant (1).
Genome position (GRCh38, 1-based): chr16:1,792,000, C>T on the plus strand (G>A on the coding strand, the complement: IGFALS is on the minus strand). VCF-style: chr16-1792000-C-T. GRCh37 (hg19) VCF-style: chr16-1842001-C-T.
Other names: c.532G>A, p.Gly178Ser (NM_001146006.2); short protein forms G178S, G140S.
Identifiers: ClinVar variation 2220975 (VCV002220975.3), dbSNP rs549056265, ClinGen allele CA7820592.
Genomic context (GRCh38, chr16:1,792,000, plus strand): 5'-TGCTCAGACGGTTGTTGCTGAGGCCGAGCGAGGCCAGCGCGGGCGTGTGTGCAAACGTGC[C>T]GAGTGCCAGGCTGCGCAGCTGGTTCCGCTCCAGGTGCAGGTGGCACAGGTTCTCTAGGCC-3'
Protein context (NP_004961.1, residues 130-150): ERNQLRSLAL[Gly140Ser]TFAHTPALAS